The following is an entry in ClinVar:

ClinVar aggregate classification (germline): Conflicting classifications of pathogenicity. Review status: criteria provided, conflicting classifications (1 of 4 stars). 4 submissions from 4 submitters: Likely pathogenic (1); Uncertain significance (3). Last evaluated 2025-08-15.

Conditions:
Hereditary cancer-predisposing syndrome. Also called: Tumor predisposition; Neoplastic Syndromes, Hereditary; Hereditary Cancer Syndrome; Hereditary neoplastic syndrome. Identifiers: Orphanet 140162, MedGen C0027672, MeSH D009386, MONDO:0015356.
Familial adenomatous polyposis 2. Also called: COLORECTAL ADENOMATOUS POLYPOSIS, AUTOSOMAL RECESSIVE; ADENOMAS, MULTIPLE COLORECTAL, AUTOSOMAL RECESSIVE; MYH-associated polyposis; MUTYH Polyposis; Adenomas, multiple colorectal; MUTYH-associated polyposis. Identifiers: Orphanet 220460, Orphanet 247798, MedGen C3272841, MONDO:0012041, OMIM 608456.

Submissions (4):

Ambry Genetics
Classification: Likely pathogenic for Hereditary cancer-predisposing syndrome. Last evaluated: 2025-08-15. Review status: criteria provided, single submitter. Criteria: Ambry Variant Classification Scheme 2023. Collection method: clinical testing. Allele origin: germline.
Comment: The p.L436H variant (also known as c.1307T>A), located in coding exon 13 of the MUTYH gene, results from a T to A substitution at nucleotide position 1307. The leucine at codon 436 is replaced by histidine, an amino acid with similar properties. In a massively parallel cell-based functional assay testing 7,8-dihydro-8-oxoguanine:adenine (8OG:A) repair activity, a byproduct of oxidative damage, this variant was reported to be non-functional (Hemker SL et al. Am J Hum Genet. Published online July 29, 2025. DOI: 10.1016/j.ajhg.2025.07.005). This amino acid position is well conserved in available vertebrate species. In addition, this alteration is predicted to be deleterious by in silico analysis. This variant is considered to be rare based on population cohorts in the Genome Aggregation Database (gnomAD). Based on the majority of available evidence to date, this variant is likely to be pathogenic.

All of Us Research Program, National Institutes of Health
Classification: Uncertain significance for Familial adenomatous polyposis 2. Last evaluated: 2024-01-11. Review status: criteria provided, single submitter. Criteria: ACMG Guidelines, 2015. Collection method: clinical testing. Allele origin: germline. Inheritance: Autosomal recessive inheritance. Observed: 1 variant allele, 1 heterozygote.
Comment: This study involves interpretation of variants in research participants for the purpose of population health screening. Participant phenotype was not available at the time of variant classification. Additional details can be found in publication PMID: 35346344, PMCID: PMC8962531

Centre of Medical Genetics, University Hospital Muenster
Classification: Uncertain significance. Last evaluated: 2021-12-08. Review status: criteria provided, single submitter. Criteria: ACMG Guidelines, 2015. Collection method: clinical testing. Allele origin: unknown. Affected: yes. Observed: 1 variant allele, 1 homozygote.
Comment: ACMG categories: PM1,PM2,BP1

Labcorp Genetics (formerly Invitae), Labcorp
Classification: Uncertain significance for Familial adenomatous polyposis 2. Last evaluated: 2020-12-04. Review status: criteria provided, single submitter. Criteria: Invitae Variant Classification Sherloc (09022015). Collection method: clinical testing. Allele origin: germline.
Comment: This sequence change replaces leucine with histidine at codon 436 of the MUTYH protein (p.Leu436His). The leucine residue is highly conserved and there is a moderate physicochemical difference between leucine and histidine. This variant is not present in population databases (ExAC no frequency). This variant has not been reported in the literature in individuals with MUTYH-related disease. Algorithms developed to predict the effect of missense changes on protein structure and function are either unavailable or do not agree on the potential impact of this missense change (SIFT: "Deleterious"; PolyPhen-2: "Probably Damaging"; Align-GVGD: "Class C15"). In summary, the available evidence is currently insufficient to determine the role of this variant in disease. Therefore, it has been classified as a Variant of Uncertain Significance.

Literature cited by the submitters: PubMed 40738107 (cited by Ambry Genetics).

NM_001048174.2(MUTYH):c.1223T>A (p.Leu408His)

Gene: MUTYH (mutY DNA glycosylase; minus strand). Cytogenetic location: 1p34.1.
Variant type: single nucleotide variant.
Coding change: c.1223T>A on transcript NM_001048174.2 (MANE Select); coding-DNA position 1223, T replaced by A.
Protein change: p.Leu408His; replaces leucine 408 with histidine.
Molecular consequence: missense variant. On other transcripts: non-coding transcript variant (2).
Genome position (GRCh38, 1-based): chr1:45,331,436, A>T on the plus strand (T>A on the coding strand, the complement: MUTYH is on the minus strand). VCF-style: chr1-45331436-A-T. GRCh37 (hg19) VCF-style: chr1-45797108-A-T.
Other names: c.1223T>A, p.Leu408His (NM_001048171.2, NM_001048173.2, NM_001293195.2); c.1226T>A, p.Leu409His (NM_001048172.2); c.1307T>A, p.Leu436His (NM_001128425.2); c.1268T>A, p.Leu423His (NM_001293190.2); c.1256T>A, p.Leu419His (NM_001293191.2); c.947T>A, p.Leu316His (NM_001293192.2, NM_001293196.2); c.878T>A, p.Leu293His (NM_001350650.2, NM_001350651.2); c.1298T>A, p.Leu433His (NM_012222.3); short protein forms L316H, L408H, L409H, L419H, L423H, L433H, L293H, L436H.
Identifiers: ClinVar variation 655735 (VCV000655735.15), dbSNP rs1570370748, ClinGen allele CA340132852.
Genomic context (GRCh38, chr1:45,331,436, plus strand): 5'-AGCCTCAAAAGCCAACATCCTTGGCTATTCCGCTGCTCACTTACCTCCCCAAGGTGCCGG[A>T]GGTGCGTGGCTGGGAGGGGCCCAGCCCAACGCTGTAGTTCCTGCAGCAGGGCCTTGCGCT-3'
Protein context (NP_001041639.1, residues 398-418): RWAGPLPATH[Leu408His]RHLGEVVHTF